The following is an entry in ClinVar:

ClinVar aggregate classification (germline): Uncertain significance (1 of 4 stars; one submission).

Conditions:
Hereditary nonpolyposis colorectal neoplasms. Identifiers: MedGen C0009405, MeSH D003123.

Submission:

Labcorp Genetics (formerly Invitae), Labcorp
Classification: Uncertain significance for Hereditary nonpolyposis colorectal neoplasms. Last evaluated: 2023-08-28. Review status: criteria provided, single submitter. Criteria: Invitae Variant Classification Sherloc (09022015). Collection method: clinical testing. Allele origin: germline.
Comment: Advanced modeling of protein sequence and biophysical properties (such as structural, functional, and spatial information, amino acid conservation, physicochemical variation, residue mobility, and thermodynamic stability) performed at Invitae indicates that this missense variant is expected to disrupt PMS2 protein function. ClinVar contains an entry for this variant (Variation ID: 943668). This variant has not been reported in the literature in individuals affected with PMS2-related conditions. This variant is not present in population databases (gnomAD no frequency). This sequence change replaces glycine, which is neutral and non-polar, with glutamic acid, which is acidic and polar, at codon 141 of the PMS2 protein (p.Gly141Glu). In summary, the available evidence is currently insufficient to determine the role of this variant in disease. Therefore, it has been classified as a Variant of Uncertain Significance.

NM_000535.7(PMS2):c.422G>A (p.Gly141Glu)

Gene: PMS2 (PMS1 homolog 2, mismatch repair system component; minus strand). Cytogenetic location: 7p22.1.
Variant type: single nucleotide variant.
Coding change: c.422G>A on transcript NM_000535.7 (MANE Select); coding-DNA position 422, G replaced by A.
Protein change: p.Gly141Glu; replaces glycine 141 with glutamic acid.
Molecular consequence: missense variant. On other transcripts: 5 prime UTR variant (2), non-coding transcript variant (1).
Genome position (GRCh38, 1-based): chr7:6,002,568, C>T on the plus strand (G>A on the coding strand, the complement: PMS2 is on the minus strand). VCF-style: chr7-6002568-C-T. GRCh37 (hg19) VCF-style: chr7-6042199-C-T.
Other names: c.17G>A, p.Gly6Glu (NM_001322003.2, NM_001322004.2, NM_001322005.2 and 3 more transcripts); c.422G>A, p.Gly141Glu (NM_001322006.2, NM_001322014.2); c.104G>A, p.Gly35Glu (NM_001322007.2, NM_001322008.2); c.-463G>A (NM_001322011.2, NM_001322012.2); c.113G>A, p.Gly38Glu (NM_001322015.2); short protein forms G141E, G38E, G6E, G35E.
Identifiers: ClinVar variation 943668 (VCV000943668.9), dbSNP rs376931673, ClinGen allele CA366744381.